The following is an entry in ClinVar:

NM_003024.3(ITSN1):c.1909C>T (p.Arg637Ter)

Gene: ITSN1 (intersectin 1; plus strand). Cytogenetic location: 21q22.11.
Variant type: single nucleotide variant.
Coding change: c.1909C>T on transcript NM_003024.3 (MANE Select); coding-DNA position 1909, C replaced by T.
Protein change: p.Arg637Ter; replaces arginine 637 with a stop codon.
Molecular consequence: nonsense.
Genome position (GRCh38, 1-based): chr21:33,794,425, C>T. VCF-style: chr21-33794425-C-T. GRCh37 (hg19) VCF-style: chr21-35166729-C-T.
Other names: c.1909C>T, p.Arg637Ter (NM_001001132.2, NM_001331008.2, NM_001331009.2 and 2 more transcripts); c.1798C>T, p.Arg600Ter (NM_001331012.2); short protein forms R637*, R600*.
Identifiers: ClinVar variation 2602817 (VCV002602817.4), dbSNP rs2517725319, ClinGen allele CA410130804.

ClinVar aggregate classification (germline): Conflicting classifications of pathogenicity. Review status: criteria provided, conflicting classifications (1 of 4 stars). 2 submissions from 2 submitters: Likely pathogenic (1); Uncertain significance (1). Last evaluated 2026-08-18.

Conditions:
Inborn genetic diseases. Identifiers: MedGen C0950123, MeSH D030342.

Submissions (2):

Ambry Genetics
Classification: Uncertain significance for Inborn genetic diseases. Last evaluated: 2026-08-18. Review status: criteria provided, single submitter. Criteria: Ambry Variant Classification Scheme 2023. Collection method: clinical testing. Allele origin: germline.
Comment: The c.1909C>T (p.R637*) alteration, located in exon 17 (coding exon 16) of the ITSN1 gene, consists of a C to T substitution at nucleotide position 1909. This changes the amino acid from an arginine (R) to a stop codon at amino acid position 637. This alteration is expected to result in loss of function by premature protein truncation or nonsense-mediated mRNA decay. This variant was not reported in population-based cohorts in the Genome Aggregation Database (gnomAD). Based on insufficient or conflicting evidence, the clinical significance of this alteration remains unclear.

GeneDx
Classification: Likely pathogenic. Last evaluated: 2025-05-07. Review status: criteria provided, single submitter. Criteria: GeneDx Variant Classification Process June 2021. Collection method: clinical testing. Allele origin: germline. Affected: yes.
Comment: Reported as a variant included in a case-control study of individuals with Parkinson disease, however clinical information on the individual(s) with the variant was not provided (PMID: 39147844); Nonsense variant predicted to result in protein truncation or nonsense mediated decay in a gene for which loss of function is a known mechanism of disease; Not observed at significant frequency in large population cohorts (gnomAD); This variant is associated with the following publications: (PMID: 40056900, 39147844)